The following is an entry in ClinVar:

NM_001099922.3(ALG13):c.541A>T (p.Thr181Ser)

Gene: ALG13 (ALG13 UDP-N-acetylglucosaminyltransferase subunit; plus strand). Cytogenetic location: Xq23.
Variant type: single nucleotide variant.
Coding change: c.541A>T on transcript NM_001099922.3 (MANE Select); coding-DNA position 541, A replaced by T.
Protein change: p.Thr181Ser; replaces threonine 181 with serine.
Molecular consequence: missense variant. On other transcripts: non-coding transcript variant (1).
Genome position (GRCh38, 1-based): chrX:111,708,184, A>T. VCF-style: chrX-111708184-A-T. GRCh37 (hg19) VCF-style: chrX-110951412-A-T.
Other names: c.229A>T, p.Thr77Ser (NM_001257230.2, NM_001257234.2, NM_001257237.2 and 1 more transcripts); c.307A>T, p.Thr103Ser (NM_001257231.2); c.541A>T, p.Thr181Ser (NM_001324292.2); short protein forms T77S, T103S, T181S.
Identifiers: ClinVar variation 659621 (VCV000659621.12), dbSNP rs774646647, ClinGen allele CA334443160.
Genomic context (GRCh38, chrX:111,708,184, plus strand): 5'-GACTTTGGGCTGCTTTCCGGATACCTGCATAAGCAAGCCCTTGTTACTGCTACCCATCCT[A>T]CCTGCACCCTGCTTTTTCCCTCTTGCCACGCTTTTTTTCCTCTCCCTCTTACCCCCACCC-3'
Protein context (NP_001093392.1, residues 171-191): KQALVTATHP[Thr181Ser]CTLLFPSCHA

ClinVar aggregate classification (germline): Conflicting classifications of pathogenicity. Review status: criteria provided, conflicting classifications (1 of 4 stars). 3 submissions from 3 submitters: Uncertain significance (2); Likely benign (1). Last evaluated 2026-09-01.

Conditions:
Developmental and epileptic encephalopathy, 36 (DEE36). Also called: Congenital disorder of glycosylation, type Is; Epileptic encephalopathy, early infantile, 36; ALG13-CDG. Identifiers: Orphanet 324422, MedGen C4317295, MONDO:0010472, OMIM 300884.

Allele frequency attached by ClinVar (database versions not stated): 1000 Genomes Project 30x 0.00021; 1000 Genomes Project 0.00026.
gnomAD v4.1: 2 of 1,209,210 alleles (0.00017%); highest among the groups gnomAD compares: Admixed American, 0.0044%; no homozygotes.

Submissions (3):

CeGaT Center for Human Genetics Tuebingen
Classification: Likely benign. Last evaluated: 2026-09-01. Review status: criteria provided, single submitter. Criteria: CeGaT Center For Human Genetics Tuebingen Variant Classification Criteria Version 2. Collection method: clinical testing. Allele origin: germline. Affected: yes. Observed: 1 variant allele.
Comment: ALG13: BP4

Labcorp Genetics (formerly Invitae), Labcorp
Classification: Uncertain significance for Developmental and epileptic encephalopathy, 36. Last evaluated: 2026-01-11. Review status: criteria provided, single submitter. Criteria: Invitae Variant Classification Sherloc (09022015). Collection method: clinical testing. Allele origin: germline.
Comment: This sequence change replaces threonine, which is neutral and polar, with serine, which is neutral and polar, at codon 181 of the ALG13 protein (p.Thr181Ser). This variant is not present in population databases (gnomAD no frequency). This variant has not been reported in the literature in individuals affected with ALG13-related conditions. ClinVar contains an entry for this variant (Variation ID: 659621). Invitae Evidence Modeling of protein sequence and biophysical properties (such as structural, functional, and spatial information, amino acid conservation, physicochemical variation, residue mobility, and thermodynamic stability) indicates that this missense variant is not expected to disrupt ALG13 protein function with a negative predictive value of 95%. In summary, the available evidence is currently insufficient to determine the role of this variant in disease. Therefore, it has been classified as a Variant of Uncertain Significance.

Women's Health and Genetics/Laboratory Corporation of America, LabCorp
Classification: Uncertain significance. Last evaluated: 2025-03-11. Review status: criteria provided, single submitter. Criteria: LabCorp Variant Classification Summary - May 2015. Collection method: clinical testing. Allele origin: germline.
Comment: Variant summary: ALG13 c.541A>T (p.Thr181Ser) results in a conservative amino acid change in the encoded protein sequence. Three of three in-silico tools predict a benign effect of the variant on protein function. The variant was absent in 179296 control chromosomes (gnomAD). The available data on variant occurrences in the general population are insufficient to allow any conclusion about variant significance. To our knowledge, no occurrence of c.541A>T in individuals affected with Epileptic Encephalopathy, Early Infantile, 36 and no experimental evidence demonstrating its impact on protein function have been reported. ClinVar contains an entry for this variant (Variation ID: 659621). Based on the evidence outlined above, the variant was classified as uncertain significance.